The following is an entry in ClinVar:

NM_005184.4(CALM3):c.396T>A (p.Asp132Glu)

Gene: CALM3 (calmodulin 3; plus strand). Cytogenetic location: 19q13.32.
Variant type: single nucleotide variant.
Coding change: c.396T>A on transcript NM_005184.4 (MANE Select); coding-DNA position 396, T replaced by A.
Protein change: p.Asp132Glu; replaces aspartic acid 132 with glutamic acid.
Molecular consequence: missense variant.
Genome position (GRCh38, 1-based): chr19:46,608,956, T>A. VCF-style: chr19-46608956-T-A. GRCh37 (hg19) VCF-style: chr19-47112213-T-A.
Other names: c.288T>A, p.Asp96Glu (NM_001329921.1, NM_001329923.1, NM_001329924.2 and 2 more transcripts); c.396T>A, p.Asp132Glu (NM_001329922.1); short protein forms D132E, D96E.
Identifiers: ClinVar variation 423164 (VCV000423164.3), dbSNP rs1064796271, ClinGen allele CA16620863.

ClinVar aggregate classification (germline): Conflicting classifications of pathogenicity. Review status: criteria provided, conflicting classifications (1 of 4 stars). 2 submissions from 2 submitters: Pathogenic (1); Uncertain significance (1). Last evaluated 2025-03-26.

Conditions:
Long QT syndrome 1 (LQT1). Identifiers: Orphanet 101016, Orphanet 768, MedGen C4551647, MONDO:0100316, OMIM 192500, MONDO:0008646.

Submissions (2):

Labcorp Genetics (formerly Invitae), Labcorp
Classification: Uncertain significance for Long QT syndrome 1. Last evaluated: 2025-03-26. Review status: criteria provided, single submitter. Criteria: Invitae Variant Classification Sherloc (09022015). Collection method: clinical testing. Allele origin: germline.
Comment: This sequence change replaces aspartic acid, which is acidic and polar, with glutamic acid, which is acidic and polar, at codon 132 of the CALM3 protein (p.Asp132Glu). This variant is not present in population databases (gnomAD no frequency). This missense change has been observed in individual(s) with catecholaminergic polymorphic ventricular tachycardia (PMID: 31170290). ClinVar contains an entry for this variant (Variation ID: 423164). An algorithm developed to predict the effect of missense changes on protein structure and function (PolyPhen-2) suggests that this variant is likely to be disruptive. In summary, the available evidence is currently insufficient to determine the role of this variant in disease. Therefore, it has been classified as a Variant of Uncertain Significance.

GeneDx
Classification: Pathogenic. Last evaluated: 2017-02-06. Review status: criteria provided, single submitter. Criteria: GeneDx Variant Classification (06012015). Collection method: clinical testing. Allele origin: germline. Affected: yes.
Comment: The D132E variant in the CALM3 gene has not been reported previously as a pathogenic variant nor as a benign variant, to our knowledge. However, the same amino acid change within another CALM gene (CALM2 p.D132E) has been reported in a patient with LQTS who later exhibited exercise-induced polymorphic ventricular ectopy consistent with CPVT (Makita et al., 2014). In addition, other missense variants in the same residue in the CALM genes (CALM1 p.D132V; CALM2 p.D132H) have been reported in association with LQTS (Pipilas et al., 2016). The D132E variant is not observed in large population cohorts (Lek et al., 2016; 1000 Genomes Consortium et al., 2015; Exome Variant Server). The D132E variant is a conservative amino acid substitution, which occurs at a position within the fourth EF-hand calcium binding domain that is conserved across species. While functional studies of the D132E variant in the CALM3 gene have not been reported previously, functional studies of the D132E variant in the CALM2 gene demonstrated that it results in a 23-fold reduction in calcium-binding affinity compared to wild type calmodulin, which likely disrupts the ability to transduce intracellular calcium signals (Makita et al., 2014). We interpret D132E as a pathogenic variant.

Literature cited by the submitters: PubMed 31170290 (cited by Labcorp Genetics (formerly Invitae), Labcorp).